The following is an entry in ClinVar:

ClinVar aggregate classification (germline): Uncertain significance (1 of 4 stars; one submission).

Submission:

GeneDx
Classification: Uncertain significance. Last evaluated: 2024-09-24. Review status: criteria provided, single submitter. Criteria: GeneDx Variant Classification Process June 2021. Collection method: clinical testing. Allele origin: germline.
Comment: Not observed at significant frequency in large population cohorts (gnomAD); In silico analysis indicates that this missense variant does not alter protein structure/function; Has not been previously published as pathogenic or benign to our knowledge

NM_001386298.1(CIC):c.4646A>T (p.Gln1549Leu)

Gene: CIC (capicua transcriptional repressor; plus strand). Cytogenetic location: 19q13.2.
Variant type: single nucleotide variant.
Coding change: c.4646A>T on transcript NM_001386298.1 (MANE Select); coding-DNA position 4646, A replaced by T.
Protein change: p.Gln1549Leu; replaces glutamine 1549 with leucine.
Molecular consequence: missense variant.
Genome position (GRCh38, 1-based): chr19:42,290,687, A>T. VCF-style: chr19-42290687-A-T. GRCh37 (hg19) VCF-style: chr19-42794839-A-T.
Other names: c.4646A>T, p.Gln1549Leu (NM_001379483.1, NM_001304815.2, NM_001379480.1 and 1 more transcripts); c.1919A>T, p.Gln640Leu (NM_001379484.1, NM_001379485.1, NM_015125.5); short protein forms Q1549L, Q640L.
Identifiers: ClinVar variation 2498023 (VCV002498023.2), dbSNP rs528890777, ClinGen allele CA406108303.